The following is an entry in ClinVar:

NM_006915.3(RP2):c.758T>G (p.Leu253Arg)

Gene: RP2 (RP2 activator of ARL3 GTPase; plus strand). Cytogenetic location: Xp11.3.
Variant type: single nucleotide variant.
Coding change: c.758T>G on transcript NM_006915.3 (MANE Select); coding-DNA position 758, T replaced by G.
Protein change: p.Leu253Arg; replaces leucine 253 with arginine.
Molecular consequence: missense variant.
Genome position (GRCh38, 1-based): chrX:46,854,131, T>G. VCF-style: chrX-46854131-T-G. GRCh37 (hg19) VCF-style: chrX-46713566-T-G.
Other names: short protein forms L253R.
Identifiers: ClinVar variation 1410434 (VCV001410434.8), dbSNP rs2147081596, ClinGen allele CA413040650.

ClinVar aggregate classification (germline): Likely pathogenic. Review status: criteria provided, multiple submitters, no conflicts (2 of 4 stars). 2 submissions from 2 submitters: Likely pathogenic (2). Last evaluated 2025-08-15.

Conditions:
Retinitis pigmentosa (RP). Identifiers: Orphanet 791, MedGen C0035334, MeSH D012174, MONDO:0019200, OMIM 268000. Inheritance: Autosomal dominant, autosomal recessive and X linked inheritance.

Submissions (2):

Labcorp Genetics (formerly Invitae), Labcorp
Classification: Likely pathogenic. Last evaluated: 2025-08-15. Review status: criteria provided, single submitter. Criteria: Invitae Variant Classification Sherloc (09022015). Collection method: clinical testing. Allele origin: germline.
Comment: This sequence change replaces leucine, which is neutral and non-polar, with arginine, which is basic and polar, at codon 253 of the RP2 protein (p.Leu253Arg). This variant is not present in population databases (gnomAD no frequency). This missense change has been observed in individual(s) with X-linked retinitis pigmentosa (PMID: 10634633). It has also been observed to segregate with disease in related individuals. ClinVar contains an entry for this variant (Variation ID: 1410434). Invitae Evidence Modeling of protein sequence and biophysical properties (such as structural, functional, and spatial information, amino acid conservation, physicochemical variation, residue mobility, and thermodynamic stability) indicates that this missense variant is expected to disrupt RP2 protein function with a positive predictive value of 95%. Experimental studies have shown that this missense change does not substantially affect RP2 function (PMID: 22072390). This variant disrupts the p.Leu253 amino acid residue in RP2. Other variant(s) that disrupt this residue have been observed in individuals with RP2-related conditions (PMID: 20625056), which suggests that this may be a clinically significant amino acid residue. In summary, the currently available evidence indicates that the variant is pathogenic, but additional data are needed to prove that conclusively. Therefore, this variant has been classified as Likely Pathogenic.

Women's Health and Genetics/Laboratory Corporation of America, LabCorp
Classification: Likely pathogenic for Retinitis pigmentosa. Last evaluated: 2025-01-21. Review status: criteria provided, single submitter. Criteria: LabCorp Variant Classification Summary - May 2015. Collection method: clinical testing. Allele origin: germline.
Comment: Variant summary: RP2 c.758T>G (p.Leu253Arg) results in a non-conservative amino acid change in the encoded protein sequence. Three of five in-silico tools predict a damaging effect of the variant on protein function. The variant was absent in 181324 control chromosomes (gnomAD). c.758T>G has been reported in the literature in individuals affected with X-Linked Retinitis Pigmentosa (Wada_2000). These data indicate that the variant may be associated with disease. Publication reported experimental evidence evaluating an impact on protein function, and demonstrated that the L253R variant doesn't affect interaction with the beta1 subunit of transducin (Schwarz_2012), however a later study showed that the variant destabilized the RP2 protein, resulting in dramatically decreased protein levels (Liu_2017). In addition, a different missense affecting the same amino acid (L253P), also found to be destabilizing (Liu_2017), has been reported in affected (HGMD). The following publications have been ascertained in the context of this evaluation (PMID: 22072390, 28209709, 10634633). ClinVar contains an entry for this variant (Variation ID: 1410434). Based on the evidence outlined above, the variant was classified as likely pathogenic.

Literature cited by the submitters: PubMed 10634633 (cited by Labcorp Genetics (formerly Invitae), Labcorp and Women's Health and Genetics/Laboratory Corporation of America, LabCorp); PubMed 22072390 (cited by Labcorp Genetics (formerly Invitae), Labcorp and Women's Health and Genetics/Laboratory Corporation of America, LabCorp); PubMed 20625056 (cited by Labcorp Genetics (formerly Invitae), Labcorp); PubMed 28209709 (cited by Women's Health and Genetics/Laboratory Corporation of America, LabCorp).